The following is an entry in ClinVar:

ClinVar aggregate classification (germline): Conflicting classifications of pathogenicity. Review status: criteria provided, conflicting classifications (1 of 4 stars). 2 submissions from 2 submitters: Uncertain significance (1); Likely benign (1). Last evaluated 2025-02-19.

gnomAD v4.1: 28 of 1,613,396 alleles (0.0017%); highest among the groups gnomAD compares: South Asian, 0.0099%; no homozygotes.

Submissions (2):

Labcorp Genetics (formerly Invitae), Labcorp
Classification: Uncertain significance. Last evaluated: 2025-02-19. Review status: criteria provided, single submitter. Criteria: Invitae Variant Classification Sherloc (09022015). Collection method: clinical testing. Allele origin: germline.
Comment: This sequence change replaces arginine, which is basic and polar, with glutamine, which is neutral and polar, at codon 174 of the TCF3 protein (p.Arg174Gln). This variant is present in population databases (rs779730358, gnomAD 0.01%). This variant has not been reported in the literature in individuals affected with TCF3-related conditions. Invitae Evidence Modeling of protein sequence and biophysical properties (such as structural, functional, and spatial information, amino acid conservation, physicochemical variation, residue mobility, and thermodynamic stability) indicates that this missense variant is not expected to disrupt TCF3 protein function with a negative predictive value of 80%. In summary, the available evidence is currently insufficient to determine the role of this variant in disease. Therefore, it has been classified as a Variant of Uncertain Significance.

Blueprint Genetics
Classification: Likely benign. Last evaluated: 2019-10-15. Review status: criteria provided, single submitter. Criteria: ACMG Guidelines, 2015. Collection method: clinical testing. Allele origin: germline.

NM_003200.5(TCF3):c.521G>A (p.Arg174Gln)

Gene: TCF3 (transcription factor 3; minus strand). Cytogenetic location: 19p13.3.
Variant type: single nucleotide variant.
Coding change: c.521G>A on transcript NM_003200.5 (MANE Select); coding-DNA position 521, G replaced by A.
Protein change: p.Arg174Gln; replaces arginine 174 with glutamine.
Molecular consequence: missense variant.
Genome position (GRCh38, 1-based): chr19:1,623,979, C>T on the plus strand (G>A on the coding strand, the complement: TCF3 is on the minus strand). VCF-style: chr19-1623979-C-T. GRCh37 (hg19) VCF-style: chr19-1623978-C-T.
Other names: c.521G>A, p.Arg174Gln (NM_001136139.4, NM_001351778.2, NM_001351779.2); short protein forms R174Q.
Identifiers: ClinVar variation 4706035 (VCV004706035.2).